The following is an entry in ClinVar:

NM_000463.3(UGT1A1):c.1122T>C (p.Gly374=)

Genes: UGT1A6 (UDP glucuronosyltransferase family 1 member A6; plus strand), UGT1A7 (UDP glucuronosyltransferase family 1 member A7; plus strand), UGT1A8 (UDP glucuronosyltransferase family 1 member A8; plus strand), UGT1A9 (UDP glucuronosyltransferase family 1 member A9; plus strand), UGT1A10 (UDP glucuronosyltransferase family 1 member A10; plus strand) and 5 more. Cytogenetic location: 2q37.1.
Variant type: single nucleotide variant.
Coding change: c.1122T>C on transcript NM_000463.3 (MANE Select); coding-DNA position 1122, T replaced by C.
Protein change: p.Gly374=; no amino-acid change (glycine 374 retained).
Molecular consequence: synonymous variant.
Genome position (GRCh38, 1-based): chr2:233,768,257, T>C. VCF-style: chr2-233768257-T-C. GRCh37 (hg19) VCF-style: chr2-234676903-T-C.
Other names: c.1113T>C, p.Gly371= (NM_019075.4, NM_019076.5, NM_019077.3 and 1 more transcripts); c.1119T>C, p.Gly373= (NM_001072.4); c.318T>C, p.Gly106= (NM_205862.3); c.1125T>C, p.Gly375= (NM_019078.2, NM_007120.3, NM_019093.4).
Identifiers: ClinVar variation 197147 (VCV000197147.44), dbSNP rs139698110, ClinGen allele CA245117.

ClinVar aggregate classification (germline): Conflicting classifications of pathogenicity. Review status: criteria provided, conflicting classifications (1 of 4 stars). 7 submissions from 5 submitters: Uncertain significance (4); Likely benign (3). Last evaluated 2025-11-03.

Conditions:
Crigler-Najjar syndrome. Identifiers: Orphanet 205, MedGen C5551003, MONDO:0009044.
Gilbert syndrome. Also called: Gilbert Disease; HYPERBILIRUBINEMIA, GILBERT TYPE; Gilbert's syndrome; HYPERBILIRUBINEMIA I; HYPERBILIRUBINEMIA, ARIAS TYPE. Identifiers: MedGen C0017551, MONDO:0007745, OMIM 143500.
Lucey-Driscoll syndrome (HBLRTFN). Also called: Transient familial neonatal hyperbilirubinemia. Identifiers: Orphanet 2312, MedGen C0270210, MONDO:0009383, OMIM 237900.

Allele frequency attached by ClinVar (database versions not stated): 1000 Genomes Project 30x 0.00016; 1000 Genomes Project 0.00020; gnomAD exomes 0.00096 and 0.00195; ExAC 0.00105; TOPMed 0.00118; gnomAD 0.00121 and 0.00126; ESP Exome Variant Server 0.00161.
gnomAD v4.1: 2,975 of 1,614,198 alleles (0.18%); highest among the groups gnomAD compares: Non-Finnish European, 0.24%; 7 homozygotes.

Submissions (7):

Labcorp Genetics (formerly Invitae), Labcorp
Classification: Likely benign. Last evaluated: 2025-11-03. Review status: criteria provided, single submitter. Criteria: Invitae Variant Classification Sherloc (09022015). Collection method: clinical testing. Allele origin: germline.

CeGaT Center for Human Genetics Tuebingen
Classification: Likely benign. Last evaluated: 2024-12-01. Review status: criteria provided, single submitter. Criteria: CeGaT Center For Human Genetics Tuebingen Variant Classification Criteria Version 2. Collection method: clinical testing. Allele origin: germline. Affected: yes. Observed: 3 variant alleles.
Comment: UGT1A1: BP4, BP7; UGT1A10: BP4, BP7; UGT1A3: BP4, BP7; UGT1A4: BP4, BP7; UGT1A5: BP4, BP7; UGT1A6: BP4, BP7; UGT1A7: BP4, BP7; UGT1A8: BP4, BP7; UGT1A9: BP4, BP7

ARUP Laboratories, Molecular Genetics and Genomics, ARUP Laboratories
Classification: Likely benign. Last evaluated: 2023-10-26. Review status: criteria provided, single submitter. Criteria: ARUP Molecular Germline Variant Investigation Process 2024. Collection method: clinical testing. Allele origin: germline.

Eurofins Ntd Llc (ga)
Classification: Uncertain significance. Last evaluated: 2018-02-20. Review status: criteria provided, single submitter. Criteria: EGL ClinVar v180209 classification definitions. Collection method: clinical testing. Allele origin: germline. Observed: 9 variant alleles, 9 heterozygotes.

Illumina Laboratory Services, Illumina
Classification: Uncertain significance for Crigler-Najjar syndrome. Last evaluated: 2018-01-13. Review status: criteria provided, single submitter. Criteria: ICSL Variant Classification Criteria 13 December 2019. Collection method: clinical testing. Allele origin: germline.

Illumina Laboratory Services, Illumina
Classification: Uncertain significance for Lucey-Driscoll syndrome. Last evaluated: 2018-01-13. Review status: criteria provided, single submitter. Criteria: ICSL Variant Classification Criteria 13 December 2019. Collection method: clinical testing. Allele origin: germline.

Illumina Laboratory Services, Illumina
Classification: Uncertain significance for Gilbert syndrome. Last evaluated: 2018-01-13. Review status: criteria provided, single submitter. Criteria: ICSL Variant Classification Criteria 13 December 2019. Collection method: clinical testing. Allele origin: germline.